The following is an entry in ClinVar:

ClinVar aggregate classification (germline): Conflicting classifications of pathogenicity. Review status: criteria provided, conflicting classifications (1 of 4 stars). 9 submissions from 7 submitters: Uncertain significance (1); Benign (5); Likely benign (2). 1 of the submissions does not count toward it. Last evaluated 2025-12-01.

Conditions:
GLI3-related disorder. Also called: GLI3-related condition; GLI3-related disorders. Identifiers: MedGen CN239292.
Greig cephalopolysyndactyly syndrome (GCPS). Also called: GLI3-Related Greig Cephalopolysyndactyly Syndrome; Greig syndrome; POLYSYNDACTYLY WITH PECULIAR SKULL SHAPE. Identifiers: Orphanet 380, MedGen C0265306, MONDO:0008287, OMIM 175700.
Pallister-Hall syndrome (PHS). Also called: HYPOTHALAMIC HAMARTOBLASTOMA, HYPOPITUITARISM, IMPERFORATE ANUS, AND POSTAXIAL POLYDACTYLY; GLI3-Related Pallister-Hall Syndrome. Identifiers: Orphanet 672, MedGen C0265220, MONDO:0007804, OMIM 146510.
Polydactyly. Also called: polydactylism. Identifiers: MedGen C0152427, MONDO:0021003, OMIM 603596, HP:0010442.

Allele frequency attached by ClinVar (database versions not stated): gnomAD 0.00039; ExAC 0.00041; TOPMed 0.00042; ESP Exome Variant Server 0.00100.
gnomAD v4.1: 1,301 of 1,613,998 alleles (0.081%); highest among the groups gnomAD compares: Non-Finnish European, 0.1%; 4 homozygotes.

Submissions (9):

Labcorp Genetics (formerly Invitae), Labcorp
Classification: Benign for Pallister-Hall syndrome; Greig cephalopolysyndactyly syndrome. Last evaluated: 2025-12-01. Review status: criteria provided, single submitter. Criteria: Invitae Variant Classification Sherloc (09022015). Collection method: clinical testing. Allele origin: germline.

Blueprint Genetics
Classification: Likely benign. Last evaluated: 2024-10-15. Review status: criteria provided, single submitter. Criteria: ACMG Guidelines, 2015. Collection method: clinical testing. Allele origin: germline.

CeGaT Center for Human Genetics Tuebingen
Classification: Likely benign. Last evaluated: 2023-05-01. Review status: criteria provided, single submitter. Criteria: CeGaT Center For Human Genetics Tuebingen Variant Classification Criteria Version 2. Collection method: clinical testing. Allele origin: germline. Affected: yes. Observed: 1 variant allele.
Comment: GLI3: BP4, BS2

GeneDx
Classification: Benign. Last evaluated: 2020-12-21. Review status: criteria provided, single submitter. Criteria: GeneDx Variant Classification Process June 2021. Collection method: clinical testing. Allele origin: germline. Affected: yes.

Illumina Laboratory Services, Illumina
Classification: Benign for Greig cephalopolysyndactyly syndrome. Last evaluated: 2018-01-13. Review status: criteria provided, single submitter. Criteria: ICSL Variant Classification Criteria 13 December 2019. Collection method: clinical testing. Allele origin: germline.
Comment: This variant was observed in the ICSL laboratory as part of a predisposition screen in an ostensibly healthy population. It had not been previously curated by ICSL or reported in the Human Gene Mutation Database (HGMD: prior to June 1st, 2018), and was therefore a candidate for classification through an automated scoring system. Utilizing variant allele frequency, disease prevalence and penetrance estimates, and inheritance mode, an automated score was calculated to assess if this variant is too frequent to cause the disease. Based on the score and internal cut-off values, a variant classified as benign is not then subjected to further curation. The score for this variant resulted in a classification of benign for this disease.

Illumina Laboratory Services, Illumina
Classification: Benign for Polydactyly. Last evaluated: 2018-01-13. Review status: criteria provided, single submitter. Criteria: ICSL Variant Classification Criteria 13 December 2019. Collection method: clinical testing. Allele origin: germline.
Comment: the same text as in the submission from Illumina Laboratory Services, Illumina above.

Illumina Laboratory Services, Illumina
Classification: Benign for Pallister-Hall syndrome. Last evaluated: 2018-01-13. Review status: criteria provided, single submitter. Criteria: ICSL Variant Classification Criteria 13 December 2019. Collection method: clinical testing. Allele origin: germline.
Comment: the same text as in the submission from Illumina Laboratory Services, Illumina above.

Eurofins Ntd Llc (ga)
Classification: Uncertain significance. Last evaluated: 2015-12-07. Review status: criteria provided, single submitter. Criteria: EGL Classification Definitions 2015. Collection method: clinical testing. Allele origin: germline. Observed: 1 variant allele, 1 heterozygote.

PreventionGenetics, part of Exact Sciences
Classification: Likely benign for GLI3-related condition. Last evaluated: 2023-04-05. Review status: no assertion criteria provided. Collection method: clinical testing. Allele origin: germline. Not counted in ClinVar's aggregate classification.
Comment: This variant is classified as likely benign based on ACMG/AMP sequence variant interpretation guidelines (Richards et al. 2015 PMID: 25741868, with internal and published modifications).

NM_000168.6(GLI3):c.2245A>G (p.Ile749Val)

Gene: GLI3 (GLI family zinc finger 3; minus strand). Cytogenetic location: 7p14.1.
Variant type: single nucleotide variant.
Coding change: c.2245A>G on transcript NM_000168.6 (MANE Select); coding-DNA position 2245, A replaced by G.
Protein change: p.Ile749Val; replaces isoleucine 749 with valine.
Molecular consequence: missense variant.
Genome position (GRCh38, 1-based): chr7:41,967,782, T>C on the plus strand (A>G on the coding strand, the complement: GLI3 is on the minus strand). VCF-style: chr7-41967782-T-C. GRCh37 (hg19) VCF-style: chr7-42007380-T-C.
Other names: short protein forms I749V.
Identifiers: ClinVar variation 284912 (VCV000284912.46), dbSNP rs140048578, ClinGen allele CA4230654.
Genomic context (GRCh38, chr7:41,967,782, plus strand): 5'-GGTTTCTCCTGGCTTGCAAAGCAAGGGCTGTGGTTGCAGTGGAAATGGTTGAGTCCATGA[T>C]TGGGGTTTCATCGATGGCACTGAGGTCTCCTATACTACCTCCATCGGTCAGAGGAAGCTC-3'
Protein context (NP_000159.3, residues 739-759): GDLSAIDETP[Ile749Val]MDSTISTATT